The following is an entry in ClinVar:

NM_006651.4(CPLX1):c.309G>C (p.Pro103=)

Gene: CPLX1 (complexin 1; minus strand). Cytogenetic location: 4p16.3.
Variant type: single nucleotide variant.
Coding change: c.309G>C on transcript NM_006651.4 (MANE Select); coding-DNA position 309, G replaced by C.
Protein change: p.Pro103=; no amino-acid change (proline 103 retained).
Molecular consequence: synonymous variant.
Genome position (GRCh38, 1-based): chr4:786,597, C>G on the plus strand (G>C on the coding strand, the complement: CPLX1 is on the minus strand). VCF-style: chr4-786597-C-G. GRCh37 (hg19) VCF-style: chr4-780385-C-G.
Other names: c.309G>C (NM_006651.3).
Identifiers: ClinVar variation 3718153 (VCV003718153.3).

ClinVar aggregate classification (germline): Likely benign. Review status: criteria provided, multiple submitters, no conflicts (2 of 4 stars). 2 submissions from 2 submitters: Likely benign (2). Last evaluated 2025-06-13.

Conditions:
CPLX1-related disorder. Also called: CPLX1-related condition.

gnomAD v4.1: 24 of 1,612,126 alleles (0.0015%); highest among the groups gnomAD compares: South Asian, 0.024%; no homozygotes.

Submissions (2):

PreventionGenetics, part of Exact Sciences
Classification: Likely benign for CPLX1-related condition. Last evaluated: 2025-06-13. Review status: criteria provided, single submitter. Criteria: ACMG Guidelines, 2015. Collection method: clinical testing. Allele origin: germline.
Comment: This variant is classified as likely benign based on ACMG/AMP sequence variant interpretation guidelines (Richards et al. 2015 PMID: 25741868, with internal and published modifications).

Labcorp Genetics (formerly Invitae), Labcorp
Classification: Likely benign. Last evaluated: 2024-11-27. Review status: criteria provided, single submitter. Criteria: Invitae Variant Classification Sherloc (09022015). Collection method: clinical testing. Allele origin: germline.